The following is an entry in ClinVar:

NM_017841.4(SDHAF2):c.359A>G (p.Tyr120Cys)

Gene: SDHAF2 (succinate dehydrogenase complex assembly factor 2; plus strand). Cytogenetic location: 11q12.2.
Variant type: single nucleotide variant.
Coding change: c.359A>G on transcript NM_017841.4 (MANE Select); coding-DNA position 359, A replaced by G.
Protein change: p.Tyr120Cys; replaces tyrosine 120 with cysteine.
Molecular consequence: missense variant.
Genome position (GRCh38, 1-based): chr11:61,438,102, A>G. VCF-style: chr11-61438102-A-G. GRCh37 (hg19) VCF-style: chr11-61205574-A-G.
Other names: short protein forms Y120C.
Identifiers: ClinVar variation 234164 (VCV000234164.10), dbSNP rs772928706, ClinGen allele CA058572.

ClinVar aggregate classification (germline): Uncertain significance. Review status: criteria provided, multiple submitters, no conflicts (2 of 4 stars). 4 submissions from 4 submitters: Uncertain significance (4). Last evaluated 2025-05-31.

Conditions:
Hereditary cancer-predisposing syndrome. Also called: Hereditary neoplastic syndrome; Neoplastic Syndromes, Hereditary; Tumor predisposition; Hereditary Cancer Syndrome. Identifiers: Orphanet 140162, MedGen C0027672, MeSH D009386, MONDO:0015356.
Pheochromocytoma/paraganglioma syndrome 2. Also called: SDHAF2-Related Hereditary Paraganglioma-Pheochromocytoma Syndrome (Paragangliomas 2); Paragangliomas 2; GLOMUS TUMORS, FAMILIAL, 2; SDHAF2-Related Hereditary Paraganglioma-Pheochromocytoma Syndrome. Identifiers: Orphanet 29072, MedGen C1866552, MONDO:0011121, OMIM 601650.
Hereditary pheochromocytoma and paraganglioma. Also called: Hereditary Paraganglioma-Pheochromocytoma Syndromes; Hereditary paragangliomas and pheochromocytomas; Hereditary pheochromocytoma-paraganglioma. Identifiers: Orphanet 29072, MedGen C4274332, MONDO:0017366.

Allele frequency attached by ClinVar (database versions not stated): gnomAD exomes below 0.00001; ExAC 0.00001.
gnomAD v4.1: 2 of 1,611,472 alleles (0.00012%); highest among the groups gnomAD compares: Admixed American, 0.0017%; no homozygotes.

Submissions (4):

Ambry Genetics
Classification: Uncertain significance for Hereditary cancer-predisposing syndrome. Last evaluated: 2025-05-31. Review status: criteria provided, single submitter. Criteria: Ambry Variant Classification Scheme 2023. Collection method: clinical testing. Allele origin: germline.
Comment: The p.Y120C variant (also known as c.359A>G), located in coding exon 3 of the SDHAF2 gene, results from an A to G substitution at nucleotide position 359. The tyrosine at codon 120 is replaced by cysteine, an amino acid with highly dissimilar properties. This amino acid position is highly conserved in available vertebrate species. In addition, this alteration is predicted to be deleterious by in silico analysis. Since supporting evidence is limited at this time, the clinical significance of this alteration remains unclear.

Labcorp Genetics (formerly Invitae), Labcorp
Classification: Uncertain significance for Hereditary pheochromocytoma and paraganglioma. Last evaluated: 2024-10-20. Review status: criteria provided, single submitter. Criteria: Invitae Variant Classification Sherloc (09022015). Collection method: clinical testing. Allele origin: germline.
Comment: This sequence change replaces tyrosine, which is neutral and polar, with cysteine, which is neutral and slightly polar, at codon 120 of the SDHAF2 protein (p.Tyr120Cys). This variant is not present in population databases (gnomAD no frequency). This variant has not been reported in the literature in individuals affected with SDHAF2-related conditions. ClinVar contains an entry for this variant (Variation ID: 234164). An algorithm developed to predict the effect of missense changes on protein structure and function (PolyPhen-2) suggests that this variant is likely to be disruptive. In summary, the available evidence is currently insufficient to determine the role of this variant in disease. Therefore, it has been classified as a Variant of Uncertain Significance.

Baylor Genetics
Classification: Uncertain significance for Pheochromocytoma/paraganglioma syndrome 2. Last evaluated: 2023-12-04. Review status: criteria provided, single submitter. Criteria: ACMG Guidelines, 2015. Collection method: clinical testing. Allele origin: unknown.

GeneDx
Classification: Uncertain significance. Last evaluated: 2023-07-19. Review status: criteria provided, single submitter. Criteria: GeneDx Variant Classification Process June 2021. Collection method: clinical testing. Allele origin: germline. Affected: yes.
Comment: Not observed at significant frequency in large population cohorts (gnomAD); In silico analysis supports that this missense variant has a deleterious effect on protein structure/function; Has not been previously published as pathogenic or benign to our knowledge